The following is an entry in ClinVar:

NM_003839.4(TNFRSF11A):c.1268A>C (p.Gln423Pro)

Gene: TNFRSF11A (TNF receptor superfamily member 11a; plus strand). Cytogenetic location: 18q21.33.
Variant type: single nucleotide variant.
Coding change: c.1268A>C on transcript NM_003839.4 (MANE Select); coding-DNA position 1268, A replaced by C.
Protein change: p.Gln423Pro; replaces glutamine 423 with proline.
Molecular consequence: missense variant. On other transcripts: intron variant (3).
Genome position (GRCh38, 1-based): chr18:62,369,185, A>C. VCF-style: chr18-62369185-A-C. GRCh37 (hg19) VCF-style: chr18-60036418-A-C.
Other names: c.1226A>C, p.Gln409Pro (NM_001278268.2); c.783+2425A>C (NM_001270949.2); c.730+7392A>C (NM_001270950.2); c.616+9136A>C (NM_001270951.2); short protein forms Q409P, Q423P.
Identifiers: ClinVar variation 1956503 (VCV001956503.5), dbSNP rs2511593102, ClinGen allele CA402617617.

ClinVar aggregate classification (germline): Uncertain significance (1 of 4 stars; one submission).

Submission:

Labcorp Genetics (formerly Invitae), Labcorp
Classification: Uncertain significance. Last evaluated: 2022-01-05. Review status: criteria provided, single submitter. Criteria: Invitae Variant Classification Sherloc (09022015). Collection method: clinical testing. Allele origin: germline.
Comment: This sequence change replaces glutamine, which is neutral and polar, with proline, which is neutral and non-polar, at codon 423 of the TNFRSF11A protein (p.Gln423Pro). This variant is not present in population databases (gnomAD no frequency). This variant has not been reported in the literature in individuals affected with TNFRSF11A-related conditions. Algorithms developed to predict the effect of missense changes on protein structure and function (SIFT, PolyPhen-2, Align-GVGD) all suggest that this variant is likely to be tolerated. In summary, the available evidence is currently insufficient to determine the role of this variant in disease. Therefore, it has been classified as a Variant of Uncertain Significance.